The following is an entry in ClinVar:

ClinVar aggregate classification (germline): Uncertain significance. Review status: criteria provided, single submitter (1 of 4 stars). 2 submissions from 2 submitters: Uncertain significance (1). 1 of the submissions does not count toward it. Last evaluated 2021-08-13.

Conditions:
Nemaline myopathy 2 (NEM2). Also called: Nemaline myopathy 2, autosomal recessive. Identifiers: MedGen C1850569, MONDO:0009725, OMIM 256030.

Allele frequency attached by ClinVar (database versions not stated): gnomAD exomes below 0.00001; TOPMed below 0.00001; gnomAD 0.00001.

Submissions (2):

Labcorp Genetics (formerly Invitae), Labcorp
Classification: Uncertain significance for Nemaline myopathy 2. Last evaluated: 2021-08-13. Review status: criteria provided, single submitter. Criteria: Invitae Variant Classification Sherloc (09022015). Collection method: clinical testing. Allele origin: germline.
Comment: This sequence change replaces isoleucine with methionine at codon 6110 of the NEB protein (p.Ile6110Met). The isoleucine residue is moderately conserved and there is a small physicochemical difference between isoleucine and methionine. This variant is not present in population databases (ExAC no frequency). This variant has not been reported in the literature in individuals affected with NEB-related conditions. Algorithms developed to predict the effect of missense changes on protein structure and function are either unavailable or do not agree on the potential impact of this missense change (SIFT: "Deleterious"; PolyPhen-2: "Not Available"; Align-GVGD: "Class C0"). In summary, the available evidence is currently insufficient to determine the role of this variant in disease. Therefore, it has been classified as a Variant of Uncertain Significance.

Natera, Inc.
Classification: Uncertain significance for Nemaline myopathy type 2. Last evaluated: 2021-06-29. Review status: no assertion criteria provided. Collection method: clinical testing. Allele origin: germline. Not counted in ClinVar's aggregate classification.

NM_001164508.2(NEB):c.18330T>G (p.Ile6110Met)

Gene: NEB (nebulin; minus strand). Cytogenetic location: 2q23.3.
Variant type: single nucleotide variant.
Coding change: c.18330T>G on transcript NM_001164508.2 (MANE Select); coding-DNA position 18330, T replaced by G.
Protein change: p.Ile6110Met; replaces isoleucine 6110 with methionine.
Molecular consequence: missense variant.
Genome position (GRCh38, 1-based): chr2:151,565,537, A>C on the plus strand (T>G on the coding strand, the complement: NEB is on the minus strand). VCF-style: chr2-151565537-A-C. GRCh37 (hg19) VCF-style: chr2-152422051-A-C.
Other names: c.13227T>G, p.Ile4409Met (NM_004543.5); c.18330T>G, p.Ile6110Met (NM_001164507.2, NM_001271208.2); short protein forms I4409M, I6110M.
Identifiers: ClinVar variation 850361 (VCV000850361.11), dbSNP rs2096323080, ClinGen allele CA348801172.
Genomic context (GRCh38, chr2:151,565,537, plus strand): 5'-TCAGCATGCACAAAGCAAACTTACATCACTTTGATTGACAGAATTAATCTTGGCTAAAAC[A>C]ATCTCTGGAGGATCCACCACACTTCTAAAGTTAGGATAGTTTTCAAGGGCATTTTTCTTA-3'
Protein context (NP_001157980.2, residues 6100-6120): NFRSVVDPPE[Ile6110Met]VLAKINSVNQ